The following is an entry in ClinVar:

NM_001142800.2(EYS):c.1877A>G (p.Asn626Ser)

Gene: EYS (EGF-like photoreceptor maintenance factor; minus strand). Cytogenetic location: 6q12.
Variant type: single nucleotide variant.
Coding change: c.1877A>G on transcript NM_001142800.2 (MANE Select); coding-DNA position 1877, A replaced by G.
Protein change: p.Asn626Ser; replaces asparagine 626 with serine.
Molecular consequence: missense variant.
Genome position (GRCh38, 1-based): chr6:65,296,009, T>C on the plus strand (A>G on the coding strand, the complement: EYS is on the minus strand). VCF-style: chr6-65296009-T-C. GRCh37 (hg19) VCF-style: chr6-66005902-T-C.
Other names: c.1877A>G, p.Asn626Ser (NM_001292009.2); short protein forms N626S.
Identifiers: ClinVar variation 1441291 (VCV001441291.6), dbSNP rs2150286322, ClinGen allele CA364659625.

ClinVar aggregate classification (germline): Uncertain significance (1 of 4 stars; one submission).

gnomAD v4.1: 2 of 1,551,266 alleles (0.00013%); highest among the groups gnomAD compares: East Asian, 0.0049%; no homozygotes.

Submission:

Labcorp Genetics (formerly Invitae), Labcorp
Classification: Uncertain significance. Last evaluated: 2022-07-01. Review status: criteria provided, single submitter. Criteria: Invitae Variant Classification Sherloc (09022015). Collection method: clinical testing. Allele origin: germline.
Comment: This variant has not been reported in the literature in individuals affected with EYS-related conditions. In summary, the available evidence is currently insufficient to determine the role of this variant in disease. Therefore, it has been classified as a Variant of Uncertain Significance. Algorithms developed to predict the effect of sequence changes on RNA splicing suggest that this variant may create or strengthen a splice site. Algorithms developed to predict the effect of missense changes on protein structure and function output the following: SIFT: "Tolerated"; PolyPhen-2: "Benign"; Align-GVGD: "Class C0". The serine amino acid residue is found in multiple mammalian species, which suggests that this missense change does not adversely affect protein function. ClinVar contains an entry for this variant (Variation ID: 1441291). This variant is not present in population databases (gnomAD no frequency). This sequence change replaces asparagine, which is neutral and polar, with serine, which is neutral and polar, at codon 626 of the EYS protein (p.Asn626Ser).